The following is an entry in ClinVar:

NM_001130144.3(LTBP3):c.217C>G (p.Arg73Gly)

Gene: LTBP3 (latent transforming growth factor beta binding protein 3; minus strand). Cytogenetic location: 11q13.1.
Variant type: single nucleotide variant.
Coding change: c.217C>G on transcript NM_001130144.3 (MANE Select); coding-DNA position 217, C replaced by G.
Protein change: p.Arg73Gly; replaces arginine 73 with glycine.
Molecular consequence: missense variant. On other transcripts: 5 prime UTR variant (1).
Genome position (GRCh38, 1-based): chr11:65,557,743, G>C on the plus strand (C>G on the coding strand, the complement: LTBP3 is on the minus strand). VCF-style: chr11-65557743-G-C. GRCh37 (hg19) VCF-style: chr11-65325214-G-C.
Other names: c.-131C>G (NM_001164266.1); c.217C>G, p.Arg73Gly (NM_021070.4); short protein forms R73G.
Identifiers: ClinVar variation 4720476 (VCV004720476.1).

ClinVar aggregate classification (germline): Uncertain significance (1 of 4 stars; one submission).

Conditions:
Brachyolmia-amelogenesis imperfecta syndrome. Also called: PLATYSPONDYLY WITH AMELOGENESIS IMPERFECTA; Tooth agenesis, selective, 6; Dental anomalies and short stature. Identifiers: Orphanet 2899, MedGen C1832594, MONDO:0011018, OMIM 601216. Disease mechanism: loss of function.

Submission:

Labcorp Genetics (formerly Invitae), Labcorp
Classification: Uncertain significance for Brachyolmia-amelogenesis imperfecta syndrome. Last evaluated: 2025-05-30. Review status: criteria provided, single submitter. Criteria: Invitae Variant Classification Sherloc (09022015). Collection method: clinical testing. Allele origin: germline.
Comment: This sequence change replaces arginine, which is basic and polar, with glycine, which is neutral and non-polar, at codon 73 of the LTBP3 protein (p.Arg73Gly). This variant is not present in population databases (gnomAD no frequency). This variant has not been reported in the literature in individuals affected with LTBP3-related conditions. An algorithm developed to predict the effect of missense changes on protein structure and function (PolyPhen-2) suggests that this variant is likely to be disruptive. In summary, the available evidence is currently insufficient to determine the role of this variant in disease. Therefore, it has been classified as a Variant of Uncertain Significance.